The following is an entry in ClinVar:

ClinVar aggregate classification (germline): Uncertain significance (1 of 4 stars; one submission).

Allele frequency attached by ClinVar (database versions not stated): gnomAD exomes below 0.00001; TOPMed below 0.00001.
gnomAD v4.1: 1 of 1,613,674 alleles (0.000062%); highest among the groups gnomAD compares: Non-Finnish European, 0.000085%; no homozygotes.

Submission:

GeneDx
Classification: Uncertain significance. Last evaluated: 2023-01-17. Review status: criteria provided, single submitter. Criteria: GeneDx Variant Classification Process June 2021. Collection method: clinical testing. Allele origin: germline. Affected: yes.
Comment: Not observed at significant frequency in large population cohorts (gnomAD); In silico analysis supports that this missense variant has a deleterious effect on protein structure/function; Has not been previously published as pathogenic or benign to our knowledge

NM_001205293.3(CACNA1E):c.148A>G (p.Met50Val)

Gene: CACNA1E (calcium voltage-gated channel subunit alpha1 E; plus strand). Cytogenetic location: 1q25.3.
Variant type: single nucleotide variant.
Coding change: c.148A>G on transcript NM_001205293.3 (MANE Select); coding-DNA position 148, A replaced by G.
Protein change: p.Met50Val; replaces methionine 50 with valine.
Molecular consequence: missense variant.
Genome position (GRCh38, 1-based): chr1:181,483,892, A>G. VCF-style: chr1-181483892-A-G. GRCh37 (hg19) VCF-style: chr1-181453028-A-G.
Other names: c.148A>G, p.Met50Val (NM_000721.4, NM_001205294.2); short protein forms M50V.
Identifiers: ClinVar variation 2572927 (VCV002572927.1), dbSNP rs1663536108, ClinGen allele CA343844445.